The following is an entry in ClinVar:

ClinVar aggregate classification (germline): Likely pathogenic (1 of 4 stars; one submission).

Conditions:
Early-infantile DEE. Also called: Early infantile epileptic encephalopathy with suppression bursts; Early infantile epileptic encephalopathy; Ohtahara syndrome. Identifiers: Orphanet 1934, MedGen C0393706, MONDO:0800491.

gnomAD v4.1: 2 of 1,613,900 alleles (0.00012%); highest among the groups gnomAD compares: East Asian, 0.0022%; no homozygotes.

Submission:

Labcorp Genetics (formerly Invitae), Labcorp
Classification: Likely pathogenic for Early-infantile DEE. Last evaluated: 2026-01-27. Review status: criteria provided, single submitter. Criteria: Invitae Variant Classification Sherloc (09022015). Collection method: clinical testing. Allele origin: germline.
Comment: This sequence change replaces threonine, which is neutral and polar, with alanine, which is neutral and non-polar, at codon 1538 of the SCN8A protein (p.Thr1538Ala). This variant is not present in population databases (gnomAD no frequency). This variant has not been reported in the literature in individuals affected with SCN8A-related conditions. Invitae Evidence Modeling of protein sequence and biophysical properties (such as structural, functional, and spatial information, amino acid conservation, physicochemical variation, residue mobility, and thermodynamic stability) indicates that this missense variant is expected to disrupt SCN8A protein function with a positive predictive value of 95%. This variant disrupts the p.Thr1538 amino acid residue in SCN8A. Other variant(s) that disrupt this residue have been determined to be pathogenic (internal data). This suggests that this residue is clinically significant, and that variants that disrupt this residue are likely to be disease-causing. In summary, the currently available evidence indicates that the variant is pathogenic, but additional data are needed to prove that conclusively. Therefore, this variant has been classified as Likely Pathogenic.

NM_001330260.2(SCN8A):c.4612A>G (p.Thr1538Ala)

Gene: SCN8A (sodium voltage-gated channel alpha subunit 8; plus strand). Cytogenetic location: 12q13.13.
Variant type: single nucleotide variant.
Coding change: c.4612A>G on transcript NM_001330260.2 (MANE Select); coding-DNA position 4612, A replaced by G.
Protein change: p.Thr1538Ala; replaces threonine 1538 with alanine.
Molecular consequence: missense variant.
Genome position (GRCh38, 1-based): chr12:51,794,458, A>G. VCF-style: chr12-51794458-A-G. GRCh37 (hg19) VCF-style: chr12-52188242-A-G.
Other names: c.4489A>G, p.Thr1497Ala (NM_001177984.3, NM_001369788.1); c.4612A>G, p.Thr1538Ala (NM_014191.4); short protein forms T1497A, T1538A.
Identifiers: ClinVar variation 4801286 (VCV004801286.1).
Genomic context (GRCh38, chr12:51,794,458, plus strand): 5'-TTTGTCACTCAGCAAGCCTTTGACATTGTTATCATGATGCTCATCTGCCTTAACATGGTG[A>G]CAATGATGGTGGAGACAGACACTCAAAGCAAGCAGATGGAGAACATCCTCTACTGGATTA-3'
Protein context (NP_001317189.1, residues 1528-1548): IMMLICLNMV[Thr1538Ala]MMVETDTQSK